The following is an entry in ClinVar:

ClinVar aggregate classification (germline): Pathogenic (1 of 4 stars; one submission).

Conditions:
Immunodeficiency 104. Also called: Severe combined immunodeficiency, autosomal recessive, T cell-negative, B cell-positive, NK cell-positive; SCID, AUTOSOMAL RECESSIVE, T CELL-NEGATIVE, B CELL-POSITIVE, NK CELL-POSITIVE; Severe Combined Immune Deficiency, Autosomal Recessive, TCell -Negative, B Cell-Positive, NK Cell-Positive, IL7R-Related; IMMUNODEFICIENCY 104, SEVERE COMBINED. Identifiers: MedGen C5676890, MONDO:0012163, OMIM 608971.

Submission:

Labcorp Genetics (formerly Invitae), Labcorp
Classification: Pathogenic for Immunodeficiency 104. Last evaluated: 2017-08-24. Review status: criteria provided, single submitter. Criteria: Invitae Variant Classification Sherloc (09022015). Collection method: clinical testing. Allele origin: germline.
Comment: For these reasons, this variant has been classified as Pathogenic. Loss-of-function variants in IL7R are known to be pathogenic (PMID: 21664875, 26123418). This variant has not been reported in the literature in individuals with IL7R-related disease. This variant is not present in population databases (ExAC no frequency). This sequence change creates a premature translational stop signal (p.Lys97Asnfs*4) in the IL7R gene. It is expected to result in an absent or disrupted protein product.

Literature cited by the submitters: PubMed 21664875; PubMed 26123418.

NM_002185.5(IL7R):c.291_294del (p.Lys97fs)

Gene: IL7R (interleukin 7 receptor; plus strand). Cytogenetic location: 5p13.2.
Variant type: Deletion.
Coding change: c.291_294del on transcript NM_002185.5 (MANE Select); coding-DNA positions 291 to 294, 4 bases deleted (GAAA; older notation c.291_294delGAAA).
Protein change: p.Lys97fs; shifts the reading frame from lysine 97.
Molecular consequence: frameshift variant. On other transcripts: non-coding transcript variant (1).
Genome position (GRCh38, 1-based): chr5:35,867,375-35,867,378, GAAA deleted; deleting any 4 consecutive bases within chr5:35,867,372-35,867,378 gives the same sequence; the c. name uses the placement nearest the transcript's 3' end. VCF-style (leftmost placement, unchanged base first): chr5-35867371-CAAAG-C. GRCh37 (hg19) VCF-style: chr5-35867473-CAAAG-C.
Other names: short protein forms K97fs.
Identifiers: ClinVar variation 533056 (VCV000533056.7), dbSNP rs1554066684, ClinGen allele CA658796509.